The following is an entry in ClinVar:

ClinVar aggregate classification (germline): Conflicting classifications of pathogenicity. Review status: criteria provided, conflicting classifications (1 of 4 stars). 4 submissions from 4 submitters: Uncertain significance (1); Benign (1); Likely benign (1). 1 of the submissions does not count toward it. Last evaluated 2025-08-03.

Conditions:
MYH9-related disorder. Identifiers: MedGen C1854520.

Allele frequency attached by ClinVar (database versions not stated): gnomAD 0.00005 and 0.00007; TOPMed 0.00006; gnomAD exomes 0.00010; ExAC 0.00012; 1000 Genomes Project 30x 0.00047; 1000 Genomes Project 0.00060.
gnomAD v4.1: 109 of 1,613,746 alleles (0.0068%); highest among the groups gnomAD compares: South Asian, 0.077%; no homozygotes.

Submissions (4):

Labcorp Genetics (formerly Invitae), Labcorp
Classification: Benign. Last evaluated: 2025-08-03. Review status: criteria provided, single submitter. Criteria: Invitae Variant Classification Sherloc (09022015). Collection method: clinical testing. Allele origin: germline.

Blueprint Genetics
Classification: Likely benign. Last evaluated: 2022-06-30. Review status: criteria provided, single submitter. Criteria: ACMG Guidelines, 2015. Collection method: clinical testing. Allele origin: germline.

Eurofins Ntd Llc (ga)
Classification: Uncertain significance. Last evaluated: 2016-04-29. Review status: criteria provided, single submitter. Criteria: EGL Classification Definitions 2015. Collection method: clinical testing. Allele origin: germline. Observed: 1 variant allele, 1 heterozygote.

PreventionGenetics, part of Exact Sciences
Classification: Likely benign for MYH9-related condition. Last evaluated: 2021-12-21. Review status: no assertion criteria provided. Collection method: clinical testing. Allele origin: germline. Not counted in ClinVar's aggregate classification.
Comment: This variant is classified as likely benign based on ACMG/AMP sequence variant interpretation guidelines (Richards et al. 2015 PMID: 25741868, with internal and published modifications).

NM_002473.6(MYH9):c.3213C>T (p.Ile1071=)

Gene: MYH9 (myosin heavy chain 9; minus strand). Cytogenetic location: 22q12.3.
Variant type: single nucleotide variant.
Coding change: c.3213C>T on transcript NM_002473.6 (MANE Select); coding-DNA position 3213, C replaced by T.
Protein change: p.Ile1071=; no amino-acid change (isoleucine 1071 retained).
Molecular consequence: synonymous variant.
Genome position (GRCh38, 1-based): chr22:36,296,902, G>A on the plus strand (C>T on the coding strand, the complement: MYH9 is on the minus strand). VCF-style: chr22-36296902-G-A. GRCh37 (hg19) VCF-style: chr22-36692948-G-A.
Other names: c.3213C>T (NM_002473.5).
Identifiers: ClinVar variation 287172 (VCV000287172.12), dbSNP rs552133535, ClinGen allele CA10209727.